The following is an entry in ClinVar:

NM_001048174.2(MUTYH):c.1121G>A (p.Trp374Ter)

Gene: MUTYH (mutY DNA glycosylase; minus strand). Cytogenetic location: 1p34.1.
Variant type: single nucleotide variant.
Coding change: c.1121G>A on transcript NM_001048174.2 (MANE Select); coding-DNA position 1121, G replaced by A.
Protein change: p.Trp374Ter; replaces tryptophan 374 with a stop codon.
Molecular consequence: nonsense. On other transcripts: non-coding transcript variant (2).
Genome position (GRCh38, 1-based): chr1:45,331,538, C>T on the plus strand (G>A on the coding strand, the complement: MUTYH is on the minus strand). VCF-style: chr1-45331538-C-T. GRCh37 (hg19) VCF-style: chr1-45797210-C-T.
Other names: c.1121G>A, p.Trp374Ter (NM_001048171.2, NM_001048173.2, NM_001293195.2 and 6 more transcripts); c.1124G>A, p.Trp375Ter (NM_001048172.2, NM_001407071.1, NM_001407078.1 and 1 more transcripts); c.1205G>A, p.Trp402Ter (NM_001128425.2); c.1166G>A, p.Trp389Ter (NM_001293190.2); c.1154G>A, p.Trp385Ter (NM_001293191.2, NM_001407069.1, NM_001407077.1); c.845G>A, p.Trp282Ter (NM_001293192.2, NM_001293196.2, NM_001407091.1); c.776G>A, p.Trp259Ter (NM_001350650.2, NM_001350651.2, NM_001407082.1); c.1037G>A, p.Trp346Ter (NM_001407075.1); and 5 more; short protein forms W381*, W388*, W389*, W399*, W259*, W346*, W361*, W402*.
Identifiers: ClinVar variation 1748677 (VCV001748677.17), dbSNP rs892204813, ClinGen allele CA21836075.
Genomic context (GRCh38, chr1:45,331,538, plus strand): 5'-TGCAGCAGGGCCTTGCGCTGAAGCTGCTCTGAGGGCTCCCAGGTCACGGACGGGAACTCC[C>T]ACAGTCCTGCCAGCAGACCTGAGAGGGAGGGCAGCCAGGCAGGGGTCAGGCCTCAGCTGC-3'

ClinVar aggregate classification (germline): Pathogenic. Review status: criteria provided, multiple submitters, no conflicts (2 of 4 stars). 5 submissions from 5 submitters: Pathogenic (5). Last evaluated 2025-08-01.

Conditions:
Hereditary cancer-predisposing syndrome. Also called: Hereditary neoplastic syndrome; Neoplastic Syndromes, Hereditary; Tumor predisposition; Hereditary Cancer Syndrome. Identifiers: Orphanet 140162, MedGen C0027672, MeSH D009386, MONDO:0015356.
Familial adenomatous polyposis 2. Also called: MYH-associated polyposis; MUTYH-related attenuated familial adenomatous polyposis; MUTYH Polyposis; COLORECTAL ADENOMATOUS POLYPOSIS, AUTOSOMAL RECESSIVE; ADENOMAS, MULTIPLE COLORECTAL, AUTOSOMAL RECESSIVE; MUTYH-associated polyposis. Identifiers: Orphanet 220460, Orphanet 247798, MedGen C3272841, MONDO:0012041, OMIM 608456.

Allele frequency attached by ClinVar (database versions not stated): gnomAD 0.00001.

Submissions (5):

CeGaT Center for Human Genetics Tuebingen
Classification: Pathogenic. Last evaluated: 2025-08-01. Review status: criteria provided, single submitter. Criteria: CeGaT Center For Human Genetics Tuebingen Variant Classification Criteria Version 2. Collection method: clinical testing. Allele origin: germline. Affected: yes. Observed: 1 variant allele.
Comment: MUTYH: PVS1, PM2

Women's Health and Genetics/Laboratory Corporation of America, LabCorp
Classification: Pathogenic for Familial adenomatous polyposis 2. Last evaluated: 2023-08-24. Review status: criteria provided, single submitter. Criteria: LabCorp Variant Classification Summary - May 2015. Collection method: clinical testing. Allele origin: germline.
Comment: Variant summary: MUTYH c.1205G>A (p.Trp402X) results in a premature termination codon, predicted to cause a truncation of the encoded protein or absence of the protein due to nonsense mediated decay, which are commonly known mechanisms for disease. Variants downstream of this position have been classified as pathogenic by our laboratory. The variant was absent in 250344 control chromosomes (gnomAD). To our knowledge, no occurrence of c.1205G>A in individuals affected with MUTYH-Associated Polyposis and no experimental evidence demonstrating its impact on protein function have been reported. Two submitters have cited clinical-significance assessments for this variant to ClinVar after 2014. All submitters classified the variant as pathogenic. Based on the evidence outlined above, the variant was classified as pathogenic.

All of Us Research Program, National Institutes of Health
Classification: Pathogenic for Familial adenomatous polyposis 2. Last evaluated: 2023-08-15. Review status: criteria provided, single submitter. Criteria: ACMG Guidelines, 2015. Collection method: clinical testing. Allele origin: germline. Inheritance: Autosomal recessive inheritance. Observed: 1 variant allele, 1 heterozygote.
Comment: This variant changes 1 nucleotide in exon 13 of the MUTYH gene, creating a premature translation stop signal. This variant is expected to result in an absent or non-functional protein product. To our knowledge, this variant has not been reported in individuals affected with MUTYH-related disorders in the literature. This variant has not been identified in the general population by the Genome Aggregation Database (gnomAD). Loss of MUTYH function is a known mechanism of disease. Based on the available evidence, this variant is classified as Pathogenic.

This study involves interpretation of variants in research participants for the purpose of population health screening. Participant phenotype was not available at the time of variant classification. Additional details can be found in publication PMID: 35346344, PMCID: PMC8962531

Labcorp Genetics (formerly Invitae), Labcorp
Classification: Pathogenic for Familial adenomatous polyposis 2. Last evaluated: 2022-09-14. Review status: criteria provided, single submitter. Criteria: Invitae Variant Classification Sherloc (09022015). Collection method: clinical testing. Allele origin: germline.
Comment: This sequence change creates a premature translational stop signal (p.Trp402*) in the MUTYH gene. It is expected to result in an absent or disrupted protein product. Loss-of-function variants in MUTYH are known to be pathogenic (PMID: 18534194, 20663686). This variant is not present in population databases (gnomAD no frequency). This variant has not been reported in the literature in individuals affected with MUTYH-related conditions. For these reasons, this variant has been classified as Pathogenic.

Ambry Genetics
Classification: Pathogenic for Hereditary cancer-predisposing syndrome. Last evaluated: 2021-09-10. Review status: criteria provided, single submitter. Criteria: Ambry Variant Classification Scheme 2023. Collection method: clinical testing. Allele origin: germline.
Comment: The p.W402* pathogenic mutation (also known as c.1205G>A), located in coding exon 13 of the MUTYH gene, results from a G to A substitution at nucleotide position 1205. This changes the amino acid from a tryptophan to a stop codon within coding exon 13. This variant was reported in 0/60,466 breast cancer cases and in 3/53,461 controls (Dorling et al. N Engl J Med. 2021 02;384:428-439). This variant is considered to be rare based on population cohorts in the Genome Aggregation Database (gnomAD). In addition to the clinical data presented in the literature, this alteration is expected to result in loss of function by premature protein truncation or nonsense-mediated mRNA decay. As such, this alteration is interpreted as a disease-causing mutation.

Literature cited by the submitters: PubMed 18534194 (cited by Labcorp Genetics (formerly Invitae), Labcorp); PubMed 20663686 (cited by Labcorp Genetics (formerly Invitae), Labcorp); PubMed 33471991 (cited by Ambry Genetics).